The following is an entry in ClinVar:

ClinVar aggregate classification (germline): Uncertain significance. Review status: criteria provided, multiple submitters, no conflicts (2 of 4 stars). 7 submissions from 7 submitters: Uncertain significance (7). Last evaluated 2026-06-08.

Conditions:
Aortic aneurysm, familial thoracic 4 (AAT4). Also called: AORTIC ANEURYSM/AORTIC DISSECTION AND PATENT DUCTUS ARTERIOSUS. Identifiers: MedGen C1851504, MONDO:0007568, OMIM 132900.
Familial thoracic aortic aneurysm and aortic dissection (TAAD). Also called: Thoracic aortic aneurysms and dissections. Identifiers: Orphanet 91387, MedGen C4707243, MONDO:0019625.
MYH11-related disorder. Also called: MYH11-related condition.

Allele frequency attached by ClinVar (database versions not stated): gnomAD exomes 0.00001; gnomAD 0.00002; TOPMed 0.00002.
gnomAD v4.1: 21 of 1,613,992 alleles (0.0013%); highest among the groups gnomAD compares: African/African-American, 0.0093%; no homozygotes.

Submissions (7):

PreventionGenetics, part of Exact Sciences
Classification: Uncertain significance for MYH11-related condition. Last evaluated: 2026-06-08. Review status: criteria provided, single submitter. Criteria: ACMG Guidelines, 2015. Collection method: clinical testing. Allele origin: germline.
Comment: The MYH11 c.3235G>A variant is predicted to result in the amino acid substitution p.Ala1079Thr. To our knowledge, this variant has not been reported in the literature. This variant is reported in 0.0046% of alleles in individuals of European (Non-Finnish) descent in gnomAD. At this time, the clinical significance of this variant is uncertain due to the absence of conclusive functional and genetic evidence.

Women's Health and Genetics/Laboratory Corporation of America, LabCorp
Classification: Uncertain significance. Last evaluated: 2025-08-18. Review status: criteria provided, single submitter. Criteria: LabCorp Variant Classification Summary - May 2015. Collection method: clinical testing. Allele origin: germline.
Comment: Variant summary: MYH11 c.3235G>A (p.Ala1079Thr) results in a non-conservative amino acid change located in the Myosin tail domian (IPR002928) of the encoded protein sequence. Algorithms developed to predict the effect of missense changes on protein structure and function are either unavailable or do not agree on the potential impact of this missense change. The variant allele was found at a frequency of 8e-06 in 251330 control chromosomes. The available data on variant occurrences in the general population are insufficient to allow any conclusion about variant significance. c.3235G>A has been observed in individual(s) affected with Aortopathy. These report(s) do not provide unequivocal conclusions about association of the variant with Aortopathy. To our knowledge, no experimental evidence demonstrating an impact on protein function has been reported. The following publication has been ascertained in the context of this evaluation (PMID: 18796164). ClinVar contains an entry for this variant (Variation ID: 840805). Based on the evidence outlined above, the variant was classified as uncertain significance.

Ambry Genetics
Classification: Uncertain significance for Familial thoracic aortic aneurysm and aortic dissection. Last evaluated: 2025-01-03. Review status: criteria provided, single submitter. Criteria: Ambry Variant Classification Scheme 2023. Collection method: clinical testing. Allele origin: germline.
Comment: The p.A1072T variant (also known as c.3214G>A), located in coding exon 24 of the MYH11 gene, results from a G to A substitution at nucleotide position 3214. The alanine at codon 1072 is replaced by threonine, an amino acid with similar properties. This amino acid position is well conserved in available vertebrate species. In addition, the in silico prediction for this alteration is inconclusive. Based on the available evidence, the clinical significance of this variant remains unclear.

GeneDx
Classification: Uncertain significance. Last evaluated: 2024-09-23. Review status: criteria provided, single submitter. Criteria: GeneDx Variant Classification Process June 2021. Collection method: clinical testing. Allele origin: germline. Affected: yes.
Comment: In silico analysis indicates that this missense variant does not alter protein structure/function; Has not been previously published as pathogenic or benign to our knowledge; This variant is associated with the following publications: (PMID: 18796164)

Color Diagnostics, LLC DBA Color Health
Classification: Uncertain significance for Familial thoracic aortic aneurysm and aortic dissection. Last evaluated: 2024-07-01. Review status: criteria provided, single submitter. Criteria: ACMG Guidelines, 2015. Collection method: clinical testing. Allele origin: germline.
Comment: This missense variant replaces alanine with threonine at codon 1079 of the MYH11 protein. Computational prediction tools indicate that this variant has a neutral impact on protein structure and function. To our knowledge, functional studies have not been reported for this variant. This variant has not been reported in individuals affected with MYH11-related disorders in the literature. This variant has been identified in 7/282720 chromosomes in the general population by the Genome Aggregation Database (gnomAD). The available evidence is insufficient to determine the role of this variant in disease conclusively. Therefore, this variant is classified as a Variant of Uncertain Significance.

Labcorp Genetics (formerly Invitae), Labcorp
Classification: Uncertain significance for Aortic aneurysm, familial thoracic 4. Last evaluated: 2024-05-09. Review status: criteria provided, single submitter. Criteria: Invitae Variant Classification Sherloc (09022015). Collection method: clinical testing. Allele origin: germline.
Comment: This sequence change replaces alanine, which is neutral and non-polar, with threonine, which is neutral and polar, at codon 1079 of the MYH11 protein (p.Ala1079Thr). This variant is present in population databases (rs759155353, gnomAD 0.005%). This variant has not been reported in the literature in individuals affected with MYH11-related conditions. ClinVar contains an entry for this variant (Variation ID: 840805). Advanced modeling of protein sequence and biophysical properties (such as structural, functional, and spatial information, amino acid conservation, physicochemical variation, residue mobility, and thermodynamic stability) performed at Invitae indicates that this missense variant is not expected to disrupt MYH11 protein function with a negative predictive value of 95%. In summary, the available evidence is currently insufficient to determine the role of this variant in disease. Therefore, it has been classified as a Variant of Uncertain Significance.

Mayo Clinic Laboratories, Mayo Clinic
Classification: Uncertain significance. Last evaluated: 2022-09-13. Review status: criteria provided, single submitter. Criteria: ACMG Guidelines, 2015. Collection method: clinical testing. Allele origin: germline. Observed: 1 variant allele.

Literature cited by the submitters: PubMed 18796164 (cited by Women's Health and Genetics/Laboratory Corporation of America, LabCorp).

NM_002474.3(MYH11):c.3214G>A (p.Ala1072Thr)

Gene: MYH11 (myosin heavy chain 11; minus strand). Cytogenetic location: 16p13.11.
Variant type: single nucleotide variant.
Coding change: c.3214G>A on transcript NM_002474.3 (MANE Select); coding-DNA position 3214, G replaced by A.
Protein change: p.Ala1072Thr; replaces alanine 1072 with threonine.
Molecular consequence: missense variant.
Genome position (GRCh38, 1-based): chr16:15,737,528, C>T on the plus strand (G>A on the coding strand, the complement: MYH11 is on the minus strand). VCF-style: chr16-15737528-C-T. GRCh37 (hg19) VCF-style: chr16-15831385-C-T.
Other names: p.Ala1072Thr; c.3235G>A, p.Ala1079Thr (NM_001040113.2, NM_001040114.2); c.3214G>A, p.Ala1072Thr (NM_022844.3); c.3214G>A (NM_002474.2, NM_022844.2); short protein forms A1079T, A1072T.
Identifiers: ClinVar variation 840805 (VCV000840805.25), dbSNP rs759155353, ClinGen allele CA278623316.